The following is an entry in ClinVar:

ClinVar aggregate classification (germline): Uncertain significance. Review status: criteria provided, multiple submitters, no conflicts (2 of 4 stars). 2 submissions from 2 submitters: Uncertain significance (2). Last evaluated 2022-07-26.

Conditions:
Inborn genetic diseases. Identifiers: MedGen C0950123, MeSH D030342.
COG8-congenital disorder of glycosylation. Also called: COG8-CDG; CDG IIh. Identifiers: Orphanet 95428, MedGen C1970021, MONDO:0012635, OMIM 611182.

Allele frequency attached by ClinVar (database versions not stated): gnomAD 0.00002; ExAC 0.00003; gnomAD exomes 0.00004; TOPMed 0.00004.
gnomAD v4.1: 34 of 1,614,096 alleles (0.0021%); highest among the groups gnomAD compares: Admixed American, 0.0033%; no homozygotes.

Submissions (2):

Labcorp Genetics (formerly Invitae), Labcorp
Classification: Uncertain significance for COG8-congenital disorder of glycosylation. Last evaluated: 2022-07-26. Review status: criteria provided, single submitter. Criteria: Invitae Variant Classification Sherloc (09022015). Collection method: clinical testing. Allele origin: germline.
Comment: In summary, the available evidence is currently insufficient to determine the role of this variant in disease. Therefore, it has been classified as a Variant of Uncertain Significance. Algorithms developed to predict the effect of missense changes on protein structure and function (SIFT, PolyPhen-2, Align-GVGD) all suggest that this variant is likely to be tolerated. ClinVar contains an entry for this variant (Variation ID: 640089). This variant has not been reported in the literature in individuals affected with COG8-related conditions. This variant is present in population databases (rs746290111, gnomAD 0.007%). This sequence change replaces proline, which is neutral and non-polar, with leucine, which is neutral and non-polar, at codon 420 of the COG8 protein (p.Pro420Leu).

Ambry Genetics
Classification: Uncertain significance for Inborn genetic diseases. Last evaluated: 2021-07-27. Review status: criteria provided, single submitter. Criteria: Ambry Variant Classification Scheme 2023. Collection method: clinical testing. Allele origin: germline.

NM_032382.5(COG8):c.1259C>T (p.Pro420Leu)

Gene: COG8 (component of oligomeric golgi complex 8; minus strand). Cytogenetic location: 16q22.1.
Variant type: single nucleotide variant.
Coding change: c.1259C>T on transcript NM_032382.5 (MANE Select); coding-DNA position 1259, C replaced by T.
Protein change: p.Pro420Leu; replaces proline 420 with leucine.
Molecular consequence: missense variant.
Genome position (GRCh38, 1-based): chr16:69,334,675, G>A on the plus strand (C>T on the coding strand, the complement: COG8 is on the minus strand). VCF-style: chr16-69334675-G-A. GRCh37 (hg19) VCF-style: chr16-69368578-G-A.
Other names: c.1259C>T, p.Pro420Leu (NM_001374871.1, NM_001379261.1, NM_001379262.1 and 4 more transcripts); short protein forms P420L.
Identifiers: ClinVar variation 640089 (VCV000640089.9), dbSNP rs746290111, ClinGen allele CA8133754.